The following is an entry in ClinVar:

ClinVar aggregate classification (germline): Uncertain significance. Review status: criteria provided, multiple submitters, no conflicts (2 of 4 stars). 2 submissions from 2 submitters: Uncertain significance (2). Last evaluated 2025-10-22.

Conditions:
Inborn genetic diseases. Identifiers: MedGen C0950123, MeSH D030342.

Allele frequency attached by ClinVar (database versions not stated): TOPMed below 0.00001; gnomAD 0.00001; gnomAD exomes below 0.00001.

Submissions (2):

Ambry Genetics
Classification: Uncertain significance for Inborn genetic diseases. Last evaluated: 2025-10-22. Review status: criteria provided, single submitter. Criteria: Ambry Variant Classification Scheme 2023. Collection method: clinical testing. Allele origin: germline.

Labcorp Genetics (formerly Invitae), Labcorp
Classification: Uncertain significance. Last evaluated: 2022-07-06. Review status: criteria provided, single submitter. Criteria: Invitae Variant Classification Sherloc (09022015). Collection method: clinical testing. Allele origin: germline.
Comment: In summary, the available evidence is currently insufficient to determine the role of this variant in disease. Therefore, it has been classified as a Variant of Uncertain Significance. Algorithms developed to predict the effect of missense changes on protein structure and function are either unavailable or do not agree on the potential impact of this missense change (SIFT: "Deleterious"; PolyPhen-2: "Possibly Damaging"; Align-GVGD: "Class C0"). This variant has not been reported in the literature in individuals affected with PUS1-related conditions. This variant is present in population databases (no rsID available, gnomAD 0.007%). This sequence change replaces methionine, which is neutral and non-polar, with threonine, which is neutral and polar, at codon 134 of the PUS1 protein (p.Met134Thr).

NM_025215.6(PUS1):c.401T>C (p.Met134Thr)

Genes: PUS1 (pseudouridine synthase 1; plus strand), LOC132090059 (Neanderthal introgressed variant-containing enhancer experimental_25941; plus strand). Cytogenetic location: 12q24.33.
Variant type: single nucleotide variant.
Coding change: c.401T>C on transcript NM_025215.6 (MANE Select); coding-DNA position 401, T replaced by C.
Protein change: p.Met134Thr; replaces methionine 134 with threonine.
Molecular consequence: missense variant.
Genome position (GRCh38, 1-based): chr12:131,932,272, T>C. VCF-style: chr12-131932272-T-C. GRCh37 (hg19) VCF-style: chr12-132416817-T-C.
Other names: c.317T>C, p.Met106Thr (NM_001002019.3, NM_001002020.3); c.401T>C (NM_025215.5); short protein forms M106T, M134T.
Identifiers: ClinVar variation 2165747 (VCV002165747.3), dbSNP rs1260785513, ClinGen allele CA387298076.